The following is an entry in ClinVar:

ClinVar aggregate classification (germline): Likely benign. Review status: criteria provided, multiple submitters, no conflicts (2 of 4 stars). 2 submissions from 2 submitters: Likely benign (2). Last evaluated 2025-07-08.

Allele frequency attached by ClinVar (database versions not stated): gnomAD exomes below 0.00001; gnomAD 0.00001; TOPMed 0.00001.
gnomAD v4.1: 6 of 1,613,804 alleles (0.00037%); highest among the groups gnomAD compares: Non-Finnish European, 0.00051%; no homozygotes.

Submissions (2):

Mayo Clinic Laboratories, Mayo Clinic
Classification: Likely benign. Last evaluated: 2025-07-08. Review status: criteria provided, single submitter. Criteria: ACMG Guidelines, 2015. Collection method: clinical testing. Allele origin: germline. Observed: 1 variant allele.
Comment: BP4, BP7, PM2_supporting

Labcorp Genetics (formerly Invitae), Labcorp
Classification: Likely benign. Last evaluated: 2021-11-15. Review status: criteria provided, single submitter. Criteria: Invitae Variant Classification Sherloc (09022015). Collection method: clinical testing. Allele origin: germline.

NM_017612.5(ZCCHC8):c.1710A>G (p.Gly570=)

Gene: ZCCHC8 (zinc finger CCHC-type containing 8; minus strand). Cytogenetic location: 12q24.31.
Variant type: single nucleotide variant.
Coding change: c.1710A>G on transcript NM_017612.5 (MANE Select); coding-DNA position 1710, A replaced by G.
Protein change: p.Gly570=; no amino-acid change (glycine 570 retained).
Molecular consequence: synonymous variant.
Genome position (GRCh38, 1-based): chr12:122,473,911, T>C on the plus strand (A>G on the coding strand, the complement: ZCCHC8 is on the minus strand). VCF-style: chr12-122473911-T-C. GRCh37 (hg19) VCF-style: chr12-122958458-T-C.
Other names: p.Gly570=; c.1479A>G, p.Gly493= (NM_001350935.2); c.1413A>G, p.Gly471= (NM_001350936.2); c.996A>G, p.Gly332= (NM_001350937.2, NM_001350938.2).
Identifiers: ClinVar variation 1654321 (VCV001654321.9), dbSNP rs1273258488, ClinGen allele CA482439755.